The following is an entry in ClinVar:

ClinVar aggregate classification (germline): Uncertain significance. Review status: criteria provided, multiple submitters, no conflicts (2 of 4 stars). 2 submissions from 2 submitters: Uncertain significance (2). Last evaluated 2026-01-27.

Conditions:
Brugada syndrome. Also called: Sudden unexplained nocturnal death syndrome; Sudden Unexplained Death Syndrome; Sudden Unexplained Nocturnal Death Syndrome (SUNDS); Sudden unexpected nocturnal death syndrome. Identifiers: Orphanet 130, MedGen C1142166, MONDO:0015263.
Cardiovascular phenotype. Identifiers: MedGen CN230736.

Allele frequency attached by ClinVar (database versions not stated): ExAC 0.00001; gnomAD exomes 0.00001; TOPMed 0.00001.
gnomAD v4.1: 16 of 1,614,120 alleles (0.00099%); highest among the groups gnomAD compares: Admixed American, 0.0017%; no homozygotes.

Submissions (2):

Labcorp Genetics (formerly Invitae), Labcorp
Classification: Uncertain significance for Brugada syndrome. Last evaluated: 2026-01-27. Review status: criteria provided, single submitter. Criteria: Invitae Variant Classification Sherloc (09022015). Collection method: clinical testing. Allele origin: germline.
Comment: This sequence change replaces arginine, which is basic and polar, with histidine, which is basic and polar, at codon 829 of the SCN10A protein (p.Arg829His). This variant is present in population databases (rs752623537, gnomAD 0.003%). This variant has not been reported in the literature in individuals affected with SCN10A-related conditions. ClinVar contains an entry for this variant (Variation ID: 532093). Invitae Evidence Modeling of protein sequence and biophysical properties (such as structural, functional, and spatial information, amino acid conservation, physicochemical variation, residue mobility, and thermodynamic stability) indicates that this missense variant is expected to disrupt SCN10A protein function with a positive predictive value of 95%. In summary, the available evidence is currently insufficient to determine the role of this variant in disease. Therefore, it has been classified as a Variant of Uncertain Significance.

Ambry Genetics
Classification: Uncertain significance for Cardiovascular phenotype. Last evaluated: 2023-07-05. Review status: criteria provided, single submitter. Criteria: Ambry Variant Classification Scheme 2023. Collection method: clinical testing. Allele origin: germline.
Comment: The p.R829H variant (also known as c.2486G>A), located in coding exon 15 of the SCN10A gene, results from a G to A substitution at nucleotide position 2486. The arginine at codon 829 is replaced by histidine, an amino acid with highly similar properties. This amino acid position is highly conserved in available vertebrate species. In addition, this alteration is predicted to be deleterious by in silico analysis. The evidence for this gene-disease relationship is limited; therefore, the clinical significance of this alteration is unclear.

NM_006514.4(SCN10A):c.2486G>A (p.Arg829His)

Gene: SCN10A (sodium voltage-gated channel alpha subunit 10; minus strand). Cytogenetic location: 3p22.2.
Variant type: single nucleotide variant.
Coding change: c.2486G>A on transcript NM_006514.4 (MANE Select); coding-DNA position 2486, G replaced by A.
Protein change: p.Arg829His; replaces arginine 829 with histidine.
Molecular consequence: missense variant.
Genome position (GRCh38, 1-based): chr3:38,728,696, C>T on the plus strand (G>A on the coding strand, the complement: SCN10A is on the minus strand). VCF-style: chr3-38728696-C-T. GRCh37 (hg19) VCF-style: chr3-38770187-C-T.
Other names: c.2486G>A, p.Arg829His (NM_001293306.2); c.2192G>A, p.Arg731His (NM_001293307.2); c.2486G>A (NM_006514.2); short protein forms R829H, R731H.
Identifiers: ClinVar variation 532093 (VCV000532093.7), dbSNP rs752623537, ClinGen allele CA2320525.
Genomic context (GRCh38, chr3:38,728,696, plus strand): 5'-TCTCCACAGAGGATACGGAAGACAATGAGGAAAGAGTGGAAGAAGTCGTGCATGTGCCAG[C>T]GGGGCCAGTCTTCATGGGGCGCGGAGATATTTTTTCGGTTGTTACGGTAGTTTTCCCCTA-3'
Protein context (NP_006505.4, residues 819-839): NISAPHEDWP[Arg829His]WHMHDFFHSF